The following is an entry in ClinVar:

NM_206937.2(LIG4):c.1913T>C (p.Ile638Thr)

Gene: LIG4 (DNA ligase 4; minus strand). Cytogenetic location: 13q33.3.
Variant type: single nucleotide variant.
Coding change: c.1913T>C on transcript NM_206937.2 (MANE Select); coding-DNA position 1913, T replaced by C.
Protein change: p.Ile638Thr; replaces isoleucine 638 with threonine.
Molecular consequence: missense variant.
Genome position (GRCh38, 1-based): chr13:108,209,356, A>G on the plus strand (T>C on the coding strand, the complement: LIG4 is on the minus strand). VCF-style: chr13-108209356-A-G. GRCh37 (hg19) VCF-style: chr13-108861704-A-G.
Other names: c.1913T>C, p.Ile638Thr (NM_001098268.2, NM_001352598.2, NM_001352599.2 and 6 more transcripts); c.1712T>C, p.Ile571Thr (NM_001330595.2); c.1949T>C, p.Ile650Thr (NM_001352604.2); short protein forms I638T, I571T, I650T.
Identifiers: ClinVar variation 1426152 (VCV001426152.5), dbSNP rs372158210, ClinGen allele CA7043589.
Genomic context (GRCh38, chr13:108,209,356, plus strand): 5'-ATATTAGAAATTTTGTTAACGTTAGTAAGGTTAGGTGCTTTTAAGTGCTCAATAATTCCA[A>G]TAACTTTCTTCATCTTTGGGGCAGCTTTCCGCTTTTTTTCTTGTGGTTCATCATCACCAC-3'
Protein context (NP_996820.1, residues 628-648): RKAAPKMKKV[Ile638Thr]GIIEHLKAPN

ClinVar aggregate classification (germline): Uncertain significance. Review status: criteria provided, multiple submitters, no conflicts (2 of 4 stars). 2 submissions from 2 submitters: Uncertain significance (2). Last evaluated 2024-10-07.

Conditions:
DNA ligase IV deficiency. Identifiers: Orphanet 99812, MedGen C1847827, MONDO:0011686, OMIM 606593.
Inborn genetic diseases. Identifiers: MedGen C0950123, MeSH D030342.

Allele frequency attached by ClinVar (database versions not stated): gnomAD exomes 0.00002 and 0.00003; ExAC 0.00004; TOPMed 0.00008; gnomAD 0.00009; ESP Exome Variant Server 0.00015; 1000 Genomes Project 30x 0.00016; 1000 Genomes Project 0.00020.
gnomAD v4.1: 47 of 1,614,138 alleles (0.0029%); highest among the groups gnomAD compares: Admixed American, 0.005%; no homozygotes.

Submissions (2):

Labcorp Genetics (formerly Invitae), Labcorp
Classification: Uncertain significance for DNA ligase IV deficiency. Last evaluated: 2024-10-07. Review status: criteria provided, single submitter. Criteria: Invitae Variant Classification Sherloc (09022015). Collection method: clinical testing. Allele origin: germline.
Comment: This sequence change replaces isoleucine, which is neutral and non-polar, with threonine, which is neutral and polar, at codon 638 of the LIG4 protein (p.Ile638Thr). This variant is present in population databases (rs372158210, gnomAD 0.005%). This variant has not been reported in the literature in individuals affected with LIG4-related conditions. ClinVar contains an entry for this variant (Variation ID: 1426152). Invitae Evidence Modeling of protein sequence and biophysical properties (such as structural, functional, and spatial information, amino acid conservation, physicochemical variation, residue mobility, and thermodynamic stability) has been performed for this missense variant. However, the output from this modeling did not meet the statistical confidence thresholds required to predict the impact of this variant on LIG4 protein function. In summary, the available evidence is currently insufficient to determine the role of this variant in disease. Therefore, it has been classified as a Variant of Uncertain Significance.

Ambry Genetics
Classification: Uncertain significance for Inborn genetic diseases. Last evaluated: 2021-08-12. Review status: criteria provided, single submitter. Criteria: Ambry Variant Classification Scheme 2023. Collection method: clinical testing. Allele origin: germline.